The following is an entry in ClinVar:

ClinVar aggregate classification (germline): Pathogenic. Review status: criteria provided, multiple submitters, no conflicts (2 of 4 stars). 28 submissions from 28 submitters: Pathogenic (25). 3 of the submissions do not count toward it. Last evaluated 2026-08-04.
ClinVar aggregate classification (oncogenicity): Oncogenic (1 of 4 stars; one submission).

Conditions:
Colorectal cancer. Also called: Colorectal cancer, somatic; Malignant Colorectal Neoplasm. Identifiers: MedGen C0346629, MONDO:0005575, OMIM 114500.
Nonpapillary renal cell carcinoma. Identifiers: Orphanet 422526, MedGen CN074294, MONDO:0007763, OMIM 144700.
Familial spontaneous pneumothorax (PSP). Identifiers: Orphanet 2903, MedGen C1868193, MONDO:0008259, OMIM 173600.
Birt-Hogg-Dube syndrome 1 (BHD1). Also called: FIBROFOLLICULOMAS WITH TRICHODISCOMAS AND ACROCHORDONS. Identifiers: Orphanet 122, MedGen CN375946, MONDO:0800445, OMIM 135150.
FLCN-related disorder. Also called: FLCN-related condition.
FLCN-related disorders.
Hereditary cancer-predisposing syndrome. Also called: Neoplastic Syndromes, Hereditary; Tumor predisposition; Hereditary Cancer Syndrome; Hereditary neoplastic syndrome. Identifiers: Orphanet 140162, MedGen C0027672, MeSH D009386, MONDO:0015356.
Birt-Hogg-Dube syndrome. Also called: Birt Hogg Dubé syndrome. Identifiers: Orphanet 122, MedGen C0346010, MONDO:0800444.
Neoplasm. Also called: tumor; Neoplasms; Neoplasm (disease). Identifiers: MedGen C0027651, MeSH D009369, MONDO:0005070, HP:0002664.

Submissions 1 to 10 of 29:

PreventionGenetics, part of Exact Sciences
Classification: Pathogenic for FLCN-related condition. Last evaluated: 2026-08-04. Review status: criteria provided, single submitter. Criteria: ACMG Guidelines, 2015. Collection method: clinical testing. Allele origin: germline.
Comment: The FLCN c.1285delC variant is predicted to result in a frameshift and premature protein termination (p.His429Thrfs*39). This variant is also referred to as c.1733del in the literature. It is a common reoccurring variant reported in individuals and families with Birt-Hogg-Dubé syndrome (see, for example: Khoo et al. 2002. PubMed ID: 12471204; Schmidt et al. 2005. PubMed ID: 15852235; Xing et al. 2017. PubMed ID: 28839995). This variant is reported in 0.0055% of alleles in individuals of East Asian descent in gnomAD; however, the quality of this data is questionable and should be interpreted with caution. It is interpreted as pathogenic in ClinVar (Variation ID: 3364). Frameshift variants in FLCN are expected to be pathogenic. This variant is interpreted as pathogenic.

Dasa
Classification: Pathogenic. Last evaluated: 2026-03-04. Review status: criteria provided, single submitter. Criteria: DASA Assertion Criteria. Collection method: clinical testing. Allele origin: germline.
Comment: NM_144997.7(FLCN):c.1285del (p.His429ThrfsTer39) is a frameshift variant in FLCN predicted to alter the reading frame and introduce a premature termination codon and is predicted to result in an absent or altered protein product. Loss of function is an established disease mechanism for FLCN (PMID: 22146830; PMID: 20413710; PMID: 21412933). This variant has been recurrently observed in individuals with FLCN-related disorders (PMID: 28839995; PMID: 26659639; PMID: 35477461; PMID: 29321196; PMID: 28326182). Segregation data support an association with disease in the reported family/families (PMID: 28839995; PMID: 26659639; PMID: 35477461; PMID: 29321196; PMID: 28326182). Also, this variant is rare in population databases. Based on the currently available evidence, this variant is classified as pathogenic.

Department of Clinical Genetics, Copenhagen University Hospital, Rigshospitalet
Classification: Pathogenic for Birt-Hogg-Dube syndrome. Last evaluated: 2026-02-10. Review status: criteria provided, single submitter. Criteria: ACMG Guidelines, 2015. Collection method: clinical testing. Allele origin: germline.
Comment: The following ACMG criteria has been used: PVS1; PS4; PP1

Labcorp Genetics (formerly Invitae), Labcorp
Classification: Pathogenic for Birt-Hogg-Dube syndrome. Last evaluated: 2026-01-26. Review status: criteria provided, single submitter. Criteria: Invitae Variant Classification Sherloc (09022015). Collection method: clinical testing. Allele origin: germline.
Comment: This sequence change creates a premature translational stop signal (p.His429Thrfs*39) in the FLCN gene. It is expected to result in an absent or disrupted protein product. Loss-of-function variants in FLCN are known to be pathogenic (PMID: 15852235). The frequency data for this variant in the population databases is considered unreliable, as metrics indicate poor data quality at this position in the gnomAD database. This premature translational stop signal has been observed in individual(s) with Birt-Hogg-Dubé syndrome (PMID: 12471204, 15852235, 20301695, 25519458, 25827758). This variant is also known as c.1733delC. ClinVar contains an entry for this variant (Variation ID: 3364). For these reasons, this variant has been classified as Pathogenic.

Center for Genomic Medicine, Rigshospitalet, Copenhagen University Hospital
Classification: Pathogenic. Last evaluated: 2025-12-29. Review status: criteria provided, single submitter. Criteria: ACMG Guidelines, 2015. Collection method: clinical testing. Allele origin: germline.

Center for Genomic Medicine, Rigshospitalet, Copenhagen University Hospital
Classification: Oncogenic for Neoplasm. Last evaluated: 2025-12-29. Review status: criteria provided, single submitter. Criteria: ClinGen/CGC/VICC Guidelines for Oncogenicity, 2022. Collection method: clinical testing. Allele origin: somatic. Affected: yes.

Women's Health and Genetics/Laboratory Corporation of America, LabCorp
Classification: Pathogenic for Birt-Hogg-Dube syndrome. Last evaluated: 2025-12-26. Review status: criteria provided, single submitter. Criteria: LabCorp Variant Classification Summary - May 2015. Collection method: clinical testing. Allele origin: germline.
Comment: Variant summary: FLCN c.1285delC (p.His429ThrfsX39) results in a premature termination codon, predicted to cause absence of the protein due to nonsense mediated decay, which is a commonly known mechanism for disease. The frequency data for this variant in gnomAD is considered unreliable, as metrics indicate poor data quality at this position. c.1285delC has been observed in individuals affected with Birt-Hogg-Dube Syndrome (e.g. Love_2023). The following publication has been ascertained in the context of this evaluation (PMID: 36895521). ClinVar contains an entry for this variant (Variation ID: 3364). Based on the evidence outlined above, the variant was classified as pathogenic.

ARUP Laboratories, Molecular Genetics and Genomics, ARUP Laboratories
Classification: Pathogenic. Last evaluated: 2025-07-25. Review status: criteria provided, single submitter. Criteria: ARUP Molecular Germline Variant Investigation Process 2024. Collection method: clinical testing. Allele origin: germline.
Comment: The FLCN c.1285delC; p.His429fs variant (rs80338683), also known as 1733delC, is reported in several individuals and families with Birt-Hogg-Dube syndrome (Khoo 2002, Ray 2015, Whitworth 2016, Xing 2017), and is reported as pathogenic in ClinVar (Variation ID: 3364). This variant causes a frameshift by deleting a single nucleotide, so it is predicted to result in a truncated protein or mRNA subject to nonsense-mediated decay. Based on available information, this variant is considered to be pathogenic. REFERENCES Khoo SK et al. Clinical and genetic studies of Birt-Hogg-Dube syndrome. J Med Genet. 2002 Dec;39(12):906-12. PMID: 12471204. Ray A et al. Genetic analysis of familial spontaneous pneumothorax in an Indian family. Lung. 2015 Jun;193(3):433-8. PMID: 25827758. Whitworth J et al. Multilocus Inherited Neoplasia Alleles Syndrome: A Case Series and Review. JAMA Oncol. 2016 Mar;2(3):373-9. PMID: 26659639. Xing H et al. Clinical and genetic study of a large Chinese family presented with familial spontaneous pneumothorax. J Thorac Dis. 2017 Jul;9(7):1967-1972. PMID: 28839995.

Molecular Diagnostics Laboratory, Catalan Institute of Oncology
Classification: Pathogenic for Hereditary cancer-predisposing syndrome. Last evaluated: 2025-05-19. Review status: criteria provided, single submitter. Criteria: ACMG Guidelines, 2015. Collection method: clinical testing. Allele origin: germline.
Comment: PVS1, PM2_Supporting, PP1, PP4_Strong c.1285del, located in exon 11 of the FLCN gene, consists in the deletion of a nucleotide, causing a translational frameshift with a predicted alternate stop codon (p.(His429ThrfsTer39)). This alteration is expected to result in loss of function by premature protein truncation and nonsense-mediated mRNA decay (PVS1). This variant is found in 2/263795 alleles at a frequency of 0.0007% in the gnomAD v2.1.1 database, non-cancer dataset (PM2_Supporting). The SpliceAI algorithm predicts no significant impact on splicing. To our knowledge, no well-established functional studies have been reported for this variant. This variant has been found in multiple unrelated Primary Spontaneous Pneumothorax/ Birt-Hogg-Dube (BHD)-affected individuals (PMID: 12471204, 12204536, 25519458, 25827758, 28839995, 26659639, 15852235) (PP4_Strong). It cosegregates with the disease in mutliple individuals from at least 2 BHD families (PMID: 28839995, 25827758, 15852235) (PP1). This variant has been reported in the ClinVar database (21x pathogenic) and the LOVD database (multiple entries as pathogenic). Based on currently available information, the variant c.1285del should be considered a pathogenic variant according to ACMG/AMP classification guidelines.

Molecular Pathology, Peter Maccallum Cancer Centre
Classification: Pathogenic for Birt-Hogg-Dube syndrome 1. Last evaluated: 2025-04-08. Review status: criteria provided, single submitter. Criteria: ACMG Guidelines, 2015. Collection method: clinical testing. Allele origin: germline. Inheritance: Autosomal dominant inheritance.

NM_144997.7(FLCN):c.1285del (p.His429fs)

Gene: FLCN (folliculin; minus strand). Cytogenetic location: 17p11.2.
Variant type: Deletion.
Coding change: c.1285del on transcript NM_144997.7 (MANE Select); coding-DNA position 1285, one base deleted (C; older notation c.1285delC).
Protein change: p.His429fs; shifts the reading frame from histidine 429.
Molecular consequence: frameshift variant.
Genome position (GRCh38, 1-based): chr17:17,216,395, G deleted on the plus strand (C on the coding strand, the reverse complement: FLCN is on the minus strand); the first of 8 consecutive G bases (chr17:17,216,395-17,216,402); deleting any one gives the same sequence. VCF-style (leftmost placement, unchanged base first): chr17-17216394-TG-T. GRCh37 (hg19) VCF-style: chr17-17119708-TG-T.
Other names: p.His429Thrfs*39; c.1285delC (NM_144997.7, NM_144997.6); c.1339del, p.His447fs (NM_001353229.2); c.1285del, p.His429fs (NM_001353230.2, NM_001353231.2); c.1285del (NM_144997.5, NM_144997.6); short protein forms H447fs, H429fs.
Identifiers: ClinVar variation 3364 (VCV000003364.64), dbSNP rs80338682, ClinGen allele CA224154.
Genomic context (GRCh38, chr17:17,216,394, plus strand): 5'-GAACCTCAGCGCAGGGCATGGCCCCACAGCCCGCGGGGGCACGCACCTGAGGAGAGCACG[TG>T]GGGGGGGATCTGCACGTGCGGGCTGAGCCCCAGGAAGTTGCACCGATAGGCCTCCTCGTA-3'